The following is an entry in ClinVar:

NM_014946.4(SPAST):c.421C>G (p.Gln141Glu)

Gene: SPAST (spastin; plus strand). Cytogenetic location: 2p22.3.
Variant type: single nucleotide variant.
Coding change: c.421C>G on transcript NM_014946.4 (MANE Select); coding-DNA position 421, C replaced by G.
Protein change: p.Gln141Glu; replaces glutamine 141 with glutamic acid.
Molecular consequence: missense variant.
Genome position (GRCh38, 1-based): chr2:32,087,497, C>G. VCF-style: chr2-32087497-C-G. GRCh37 (hg19) VCF-style: chr2-32312566-C-G.
Other names: c.418C>G, p.Gln140Glu (NM_001363823.2, NM_001363875.2); c.421C>G, p.Gln141Glu (NM_001377959.1, NM_199436.2); short protein forms Q140E, Q141E.
Identifiers: ClinVar variation 1979226 (VCV001979226.5), dbSNP rs1485703744, ClinGen allele CA346603061.

ClinVar aggregate classification (germline): Uncertain significance. Review status: criteria provided, multiple submitters, no conflicts (2 of 4 stars). 2 submissions from 2 submitters: Uncertain significance (2). Last evaluated 2024-11-18.

Conditions:
Hereditary spastic paraplegia 4. Also called: Familial spastic paraplegia autosomal dominant 2; Spastic paraplegia 4, autosomal dominant; Spastic Paraplegia 4. Identifiers: Orphanet 100985, MedGen C1866855, MONDO:0008438, OMIM 182601.

Submissions (2):

GeneDx
Classification: Uncertain significance. Last evaluated: 2024-11-18. Review status: criteria provided, single submitter. Criteria: GeneDx Variant Classification Process June 2021. Collection method: clinical testing. Allele origin: germline. Affected: yes.
Comment: Not observed at significant frequency in large population cohorts (gnomAD); In silico analysis indicates that this missense variant does not alter protein structure/function; Has not been previously published as pathogenic or benign to our knowledge; This variant is associated with the following publications: (PMID: 21139634, 26094131)

Labcorp Genetics (formerly Invitae), Labcorp
Classification: Uncertain significance for Hereditary spastic paraplegia 4. Last evaluated: 2022-03-28. Review status: criteria provided, single submitter. Criteria: Invitae Variant Classification Sherloc (09022015). Collection method: clinical testing. Allele origin: germline.
Comment: In summary, the available evidence is currently insufficient to determine the role of this variant in disease. Therefore, it has been classified as a Variant of Uncertain Significance. Advanced modeling of protein sequence and biophysical properties (such as structural, functional, and spatial information, amino acid conservation, physicochemical variation, residue mobility, and thermodynamic stability) performed at Invitae indicates that this missense variant is not expected to disrupt SPAST protein function. This variant has not been reported in the literature in individuals affected with SPAST-related conditions. This variant is not present in population databases (gnomAD no frequency). This sequence change replaces glutamine, which is neutral and polar, with glutamic acid, which is acidic and polar, at codon 141 of the SPAST protein (p.Gln141Glu).